The following is an entry in ClinVar:

ClinVar aggregate classification (germline): Pathogenic (1 of 4 stars; one submission).

Conditions:
Glycine encephalopathy. Also called: Non-ketotic hyperglycinemia; Nonketotic hyperglycinemia. Identifiers: Orphanet 407, MedGen C0751748, MONDO:0011612, HP:0008288.

Submission:

Labcorp Genetics (formerly Invitae), Labcorp
Classification: Pathogenic for Glycine encephalopathy. Last evaluated: 2022-04-15. Review status: criteria provided, single submitter. Criteria: Invitae Variant Classification Sherloc (09022015). Collection method: clinical testing. Allele origin: germline.
Comment: This variant is a gross deletion of the genomic region encompassing exon(s) 4-8 of the GLDC gene. This deletion is out-of-frame, and is expected to create a premature termination codon and result in an absent or disrupted protein product. Loss-of-function variants in GLDC are known to be pathogenic (PMID: 16601880). A similar copy number variant has been observed in individual(s) with glycine encephalopathy (PMID: 27362913). For these reasons, this variant has been classified as Pathogenic.

Literature cited by the submitters: PubMed 16601880; PubMed 27362913.

NC_000009.11:g.(?_6602018)_(6610366_?)del

Gene: GLDC (glycine decarboxylase; minus strand). Cytogenetic location: 9p24.1.
Variant type: Deletion.
Identifiers: ClinVar variation 1454644 (VCV001454644.7).